The following is an entry in ClinVar:

ClinVar aggregate classification (germline): Uncertain significance (1 of 4 stars; one submission).

Submission:

Dasa
Classification: Uncertain significance. Last evaluated: 2026-07-25. Review status: criteria provided, single submitter. Criteria: DASA Assertion Criteria. Collection method: clinical testing. Allele origin: germline.
Comment: NM_213594.3(RFX4):c.917G>A (p.Arg306Gln) is a missense variant that results in the substitution of arginine with glutamine. This variant is rare in population databases. The currently available literature and clinical evidence are not sufficient to establish a definitive association between this variant and the reported condition. Therefore, this variant is classified as a variant of uncertain significance.

NM_213594.3(RFX4):c.917G>A (p.Arg306Gln)

Genes: RFX4 (regulatory factor X4; plus strand), RFX4-AS1 (RFX4 antisense RNA 1; minus strand). Cytogenetic location: 12q23.3.
Variant type: single nucleotide variant.
Coding change: c.917G>A on transcript NM_213594.3 (MANE Select); coding-DNA position 917, G replaced by A.
Protein change: p.Arg306Gln; replaces arginine 306 with glutamine.
Molecular consequence: missense variant.
Genome position (GRCh38, 1-based): chr12:106,709,413, G>A. VCF-style: chr12-106709413-G-A. GRCh37 (hg19) VCF-style: chr12-107103191-G-A.
Other names: c.944G>A, p.Arg315Gln (NM_001206691.2); c.635G>A, p.Arg212Gln (NM_032491.6); short protein forms R212Q, R306Q, R315Q.
Identifiers: ClinVar variation 5020133 (VCV005020133.1).